The following is an entry in ClinVar:

ClinVar aggregate classification (germline): Likely benign. Review status: criteria provided, multiple submitters, no conflicts (2 of 4 stars). 2 submissions from 2 submitters: Likely benign (2). Last evaluated 2025-12-22.

Conditions:
Dilated cardiomyopathy 1KK (CMD1KK). Identifiers: Orphanet 154, Orphanet 75249, MedGen C3714995, MONDO:0014100, OMIM 615248.

Allele frequency attached by ClinVar (database versions not stated): ExAC 0.00002; TOPMed 0.00002.

Submissions (2):

Labcorp Genetics (formerly Invitae), Labcorp
Classification: Likely benign for Dilated cardiomyopathy 1KK. Last evaluated: 2025-12-22. Review status: criteria provided, single submitter. Criteria: Invitae Variant Classification Sherloc (09022015). Collection method: clinical testing. Allele origin: germline.

GeneDx
Classification: Likely benign. Last evaluated: 2015-10-28. Review status: criteria provided, single submitter. Criteria: GeneDx Variant Classification (06012015). Collection method: clinical testing. Allele origin: germline. Affected: yes.
Comment: This variant is considered likely benign or benign based on one or more of the following criteria: it is a conservative change, it occurs at a poorly conserved position in the protein, it is predicted to be benign by multiple in silico algorithms, and/or has population frequency not consistent with disease.

NM_032578.4(MYPN):c.1246-16G>T

Gene: MYPN (myopalladin; plus strand). Cytogenetic location: 10q21.3.
Variant type: single nucleotide variant.
Coding change: c.1246-16G>T on transcript NM_032578.4 (MANE Select); 16 bases into the intron before coding-DNA position 1246, G replaced by T.
Molecular consequence: intron variant.
Genome position (GRCh38, 1-based): chr10:68,150,024, G>T. VCF-style: chr10-68150024-G-T. GRCh37 (hg19) VCF-style: chr10-69909781-G-T.
Other names: c.1246-16G>T (NM_001256267.2); c.364-16G>T (NM_001256268.2).
Identifiers: ClinVar variation 381014 (VCV000381014.5), dbSNP rs778467080, ClinGen allele CA5522500.